The following is an entry in ClinVar:

ClinVar aggregate classification (germline): Pathogenic (1 of 4 stars; one submission).

Conditions:
Hyperinsulinemic hypoglycemia, familial, 1 (HHF1). Also called: HYPERINSULINISM, FAMILIAL, WITH PANCREATIC NESIDIOBLASTOSIS; HYPOGLYCEMIA, HYPERINSULINEMIC, OF INFANCY; NESIDIOBLASTOSIS OF PANCREAS; Persistent Hyperinsulinemia Hypoglycemia of Infancy; Persistent hyperinsulinemic hypoglycemia of infancy. Identifiers: Orphanet 276575, Orphanet 276598, MedGen C2931832, MONDO:0009734, OMIM 256450.

Submission:

Myriad Genetics, Inc.
Classification: Pathogenic for Hyperinsulinemic hypoglycemia, familial, 1. Last evaluated: 2023-12-03. Review status: criteria provided, single submitter. Criteria: Myriad Autosomal Dominant, Autosomal Recessive and X-Linked Classification Criteria (2023). Collection method: clinical testing. Allele origin: unknown.
Comment: NM_000352.3(ABCC8):c.2532C>G(Y844*) is expected to be pathogenic in the context of familial hyperinsulinism, ABCC8-related. This variant is predicted to lead to an abnormal or absent protein product due to the creation of a premature termination codon in ABCC8, a gene where loss-of-function variants are known to be pathogenic. Please note: this variant was assessed in the context of healthy population screening.

NM_000352.6(ABCC8):c.2532C>G (p.Tyr844Ter)

Gene: ABCC8 (ATP binding cassette subfamily C member 8; minus strand). Cytogenetic location: 11p15.1.
Variant type: single nucleotide variant.
Coding change: c.2532C>G on transcript NM_000352.6 (MANE Select); coding-DNA position 2532, C replaced by G.
Protein change: p.Tyr844Ter; replaces tyrosine 844 with a stop codon.
Molecular consequence: nonsense. On other transcripts: non-coding transcript variant (1).
Genome position (GRCh38, 1-based): chr11:17,412,690, G>C on the plus strand (C>G on the coding strand, the complement: ABCC8 is on the minus strand). VCF-style: chr11-17412690-G-C. GRCh37 (hg19) VCF-style: chr11-17434237-G-C.
Other names: c.2535C>G, p.Tyr845Ter (NM_001287174.3); c.2598C>G, p.Tyr866Ter (NM_001351295.2); c.2532C>G, p.Tyr844Ter (NM_001351296.2); c.2529C>G, p.Tyr843Ter (NM_001351297.2); short protein forms Y843*, Y844*, Y845*, Y866*.
Identifiers: ClinVar variation 5012537 (VCV005012537.1).